The following is an entry in ClinVar:

ClinVar aggregate classification (germline): Uncertain significance (1 of 4 stars; one submission).

Conditions:
Catecholaminergic polymorphic ventricular tachycardia 1. Also called: VENTRICULAR TACHYCARDIA, CATECHOLAMINERGIC POLYMORPHIC, 1, WITH OR WITHOUT ATRIAL DYSFUNCTION AND/OR DILATED CARDIOMYOPATHY; VENTRICULAR TACHYCARDIA, STRESS-INDUCED POLYMORPHIC 1; RYR2-Related Catecholaminergic Polymorphic Ventricular Tachycardia. Identifiers: Orphanet 3286, MedGen C1631597, MONDO:0011484, OMIM 604772.

gnomAD v4.1: 2 of 1,600,792 alleles (0.00012%); highest among the groups gnomAD compares: Non-Finnish European, 0.00017%; no homozygotes.

Submission:

Labcorp Genetics (formerly Invitae), Labcorp
Classification: Uncertain significance for Catecholaminergic polymorphic ventricular tachycardia 1. Last evaluated: 2023-05-17. Review status: criteria provided, single submitter. Criteria: Invitae Variant Classification Sherloc (09022015). Collection method: clinical testing. Allele origin: germline.
Comment: In summary, the available evidence is currently insufficient to determine the role of this variant in disease. Therefore, it has been classified as a Variant of Uncertain Significance. Advanced modeling of protein sequence and biophysical properties (such as structural, functional, and spatial information, amino acid conservation, physicochemical variation, residue mobility, and thermodynamic stability) performed at Invitae indicates that this missense variant is expected to disrupt RYR2 protein function. This variant has not been reported in the literature in individuals affected with RYR2-related conditions. This variant is not present in population databases (gnomAD no frequency). This sequence change replaces isoleucine, which is neutral and non-polar, with threonine, which is neutral and polar, at codon 2940 of the RYR2 protein (p.Ile2940Thr).

NM_001035.3(RYR2):c.8819T>C (p.Ile2940Thr)

Gene: RYR2 (ryanodine receptor 2; plus strand). Cytogenetic location: 1q43.
Variant type: single nucleotide variant.
Coding change: c.8819T>C on transcript NM_001035.3 (MANE Select); coding-DNA position 8819, T replaced by C.
Protein change: p.Ile2940Thr; replaces isoleucine 2940 with threonine.
Molecular consequence: missense variant.
Genome position (GRCh38, 1-based): chr1:237,674,835, T>C. VCF-style: chr1-237674835-T-C. GRCh37 (hg19) VCF-style: chr1-237838135-T-C.
Other names: short protein forms I2940T.
Identifiers: ClinVar variation 3016345 (VCV003016345.3), dbSNP rs983295716, ClinGen allele CA39819897.